The following is an entry in ClinVar:

ClinVar aggregate classification (germline): Uncertain significance (1 of 4 stars; one submission).

gnomAD v4.1: 1 of 1,613,414 alleles (0.000062%); highest among the groups gnomAD compares: Admixed American, 0.0017%; no homozygotes.

Submission:

GeneDx
Classification: Uncertain significance. Last evaluated: 2025-05-02. Review status: criteria provided, single submitter. Criteria: GeneDx Variant Classification Process June 2021. Collection method: clinical testing. Allele origin: germline. Affected: yes.
Comment: Not observed at significant frequency in large population cohorts (gnomAD); In silico analysis supports that this missense variant has a deleterious effect on protein structure/function; Has not been previously published as pathogenic or benign to our knowledge

NM_000256.3(MYBPC3):c.3608C>T (p.Ala1203Val)

Gene: MYBPC3 (myosin binding protein C3; minus strand). Cytogenetic location: 11p11.2.
Variant type: single nucleotide variant.
Coding change: c.3608C>T on transcript NM_000256.3 (MANE Select); coding-DNA position 3608, C replaced by T.
Protein change: p.Ala1203Val; replaces alanine 1203 with valine.
Molecular consequence: missense variant.
Genome position (GRCh38, 1-based): chr11:47,332,585, G>A on the plus strand (C>T on the coding strand, the complement: MYBPC3 is on the minus strand). VCF-style: chr11-47332585-G-A. GRCh37 (hg19) VCF-style: chr11-47354136-G-A.
Other names: short protein forms A1203V.
Identifiers: ClinVar variation 4527938 (VCV004527938.1).